The following is an entry in ClinVar:

ClinVar aggregate classification (germline): Conflicting classifications of pathogenicity. Review status: criteria provided, conflicting classifications (1 of 4 stars). 3 submissions from 3 submitters: Uncertain significance (2); Likely benign (1). Last evaluated 2025-03-26.

Conditions:
Hereditary cancer-predisposing syndrome. Also called: Neoplastic Syndromes, Hereditary; Tumor predisposition; Hereditary Cancer Syndrome; Hereditary neoplastic syndrome. Identifiers: Orphanet 140162, MedGen C0027672, MeSH D009386, MONDO:0015356.
Ataxia-telangiectasia syndrome (AT). Also called: Ataxia telangiectasia (A-T); Ataxia-telangiectasia, complementation group D; AT, COMPLEMENTATION GROUP C; ATAXIA-TELANGIECTASIA, COMPLEMENTATION GROUP A; Ataxia-telangiectasia, complementation group E; ATAXIA-TELANGIECTASIA, FRESNO VARIANT. Identifiers: Orphanet 100, MedGen C0004135, MONDO:0008840, OMIM 208900.

Allele frequency attached by ClinVar (database versions not stated): gnomAD exomes below 0.00001.
gnomAD v4.1: 3 of 1,612,294 alleles (0.00019%); highest among the groups gnomAD compares: South Asian, 0.0022%; no homozygotes.

Submissions (3):

Ambry Genetics
Classification: Likely benign for Hereditary cancer-predisposing syndrome. Last evaluated: 2025-03-26. Review status: criteria provided, single submitter. Criteria: Ambry Variant Classification Scheme 2023. Collection method: clinical testing. Allele origin: germline.

Labcorp Genetics (formerly Invitae), Labcorp
Classification: Uncertain significance for Ataxia-telangiectasia syndrome. Last evaluated: 2024-02-13. Review status: criteria provided, single submitter. Criteria: Invitae Variant Classification Sherloc (09022015). Collection method: clinical testing. Allele origin: germline.
Comment: This sequence change replaces proline, which is neutral and non-polar, with serine, which is neutral and polar, at codon 1778 of the ATM protein (p.Pro1778Ser). This variant is present in population databases (no rsID available, gnomAD 0.003%). This variant has not been reported in the literature in individuals affected with ATM-related conditions. ClinVar contains an entry for this variant (Variation ID: 565955). Algorithms developed to predict the effect of missense changes on protein structure and function output the following: SIFT: "Not Available"; PolyPhen-2: "Benign"; Align-GVGD: "Not Available". The serine amino acid residue is found in multiple mammalian species, which suggests that this missense change does not adversely affect protein function. In summary, the available evidence is currently insufficient to determine the role of this variant in disease. Therefore, it has been classified as a Variant of Uncertain Significance.

Sema4
Classification: Uncertain significance for Hereditary cancer-predisposing syndrome. Last evaluated: 2022-01-21. Review status: criteria provided, single submitter. Criteria: Sema4 Curation Guidelines. Collection method: curation. Allele origin: germline.
Comment: The ATM c.5332C>T (p.P1778S) variant has not been reported in the literature to our knowledge. It was observed in 1/30570 chromosomes of the South Asian subpopulation in the large and broad cohorts of the Genome Aggregation Database (PMID: 32461654). The variant has been reported in ClinVar (Variation ID 565955). Functional studies have not been performed, and in silico predictions of the variant's effect on protein function are inconclusive. The evidence is insufficient to meet ACMG/AMP criteria for classifying the variant as benign or pathogenic. Thus, the clinical significance of this variant is currently uncertain.

NM_000051.4(ATM):c.5332C>T (p.Pro1778Ser)

Gene: ATM (ATM serine/threonine kinase; plus strand). Cytogenetic location: 11q22.3.
Variant type: single nucleotide variant.
Coding change: c.5332C>T on transcript NM_000051.4 (MANE Select); coding-DNA position 5332, C replaced by T.
Protein change: p.Pro1778Ser; replaces proline 1778 with serine.
Molecular consequence: missense variant.
Genome position (GRCh38, 1-based): chr11:108,302,865, C>T. VCF-style: chr11-108302865-C-T. GRCh37 (hg19) VCF-style: chr11-108173592-C-T.
Other names: c.5332C>T, p.Pro1778Ser (NM_001351834.2); short protein forms P1778S.
Identifiers: ClinVar variation 565955 (VCV000565955.12), dbSNP rs1279041730, ClinGen allele CA382543084.
Genomic context (GRCh38, chr11:108,302,865, plus strand): 5'-ATGATTTCCACTTCTCTTATTTACATTTTCTAATCCCTTTCTTTCTAGTTTTTAGAAGTA[C>T]CCAGATTTGACAAAGAAAACCCTTTTGAAGGCCTGGATGATATAAATCTGTGGATTCCTC-3'
Protein context (NP_000042.3, residues 1768-1788): RTSRKKFLEV[Pro1778Ser]RFDKENPFEG